The following is an entry in ClinVar:

NM_000256.3(MYBPC3):c.923C>T (p.Pro308Leu)

Gene: MYBPC3 (myosin binding protein C3; minus strand). Cytogenetic location: 11p11.2.
Variant type: single nucleotide variant.
Coding change: c.923C>T on transcript NM_000256.3 (MANE Select); coding-DNA position 923, C replaced by T.
Protein change: p.Pro308Leu; replaces proline 308 with leucine.
Molecular consequence: missense variant.
Genome position (GRCh38, 1-based): chr11:47,346,630, G>A on the plus strand (C>T on the coding strand, the complement: MYBPC3 is on the minus strand). VCF-style: chr11-47346630-G-A. GRCh37 (hg19) VCF-style: chr11-47368181-G-A.
Other names: c.923C>T, p.Pro308Leu (LRG_386t1); short protein forms P308L.
Identifiers: ClinVar variation 629288 (VCV000629288.18), dbSNP rs1330127507, ClinGen allele CA380332870.

ClinVar aggregate classification (germline): Uncertain significance. Review status: criteria provided, multiple submitters, no conflicts (2 of 4 stars). 4 submissions from 4 submitters: Uncertain significance (4). Last evaluated 2026-01-24.

Conditions:
Cardiovascular phenotype. Identifiers: MedGen CN230736.
Cardiomyopathy (CMYO). Also called: Cardiomyopathies. Identifiers: Orphanet 167848, MedGen C0878544, MONDO:0004994, HP:0001638. Inheritance: Various modes of inheritance.
Hypertrophic cardiomyopathy. Also called: HYPERTROPHIC MYOCARDIOPATHY. Identifiers: Orphanet 217569, MedGen C0007194, MeSH D002312, MONDO:0005045, HP:0001639.

Allele frequency attached by ClinVar (database versions not stated): gnomAD exomes below 0.00001 and 0.00002; gnomAD 0.00001; TOPMed 0.00001.
gnomAD v4.1: 32 of 1,596,054 alleles (0.002%); highest among the groups gnomAD compares: Non-Finnish European, 0.0026%; no homozygotes.

Submissions (4):

Ambry Genetics
Classification: Uncertain significance for Cardiovascular phenotype. Last evaluated: 2026-01-24. Review status: criteria provided, single submitter. Criteria: Ambry Variant Classification Scheme 2023. Collection method: clinical testing. Allele origin: germline.
Comment: The p.P308L variant (also known as c.923C>T), located in coding exon 11 of the MYBPC3 gene, results from a C to T substitution at nucleotide position 923. The proline at codon 308 is replaced by leucine, an amino acid with similar properties. This amino acid position is conserved. In addition, this alteration is predicted to be tolerated by in silico analysis. Based on the available evidence, the clinical significance of this variant remains unclear.

Labcorp Genetics (formerly Invitae), Labcorp
Classification: Uncertain significance for Hypertrophic cardiomyopathy. Last evaluated: 2025-06-09. Review status: criteria provided, single submitter. Criteria: Invitae Variant Classification Sherloc (09022015). Collection method: clinical testing. Allele origin: germline.
Comment: This sequence change replaces proline, which is neutral and non-polar, with leucine, which is neutral and non-polar, at codon 308 of the MYBPC3 protein (p.Pro308Leu). The frequency data for this variant in the population databases is considered unreliable, as metrics indicate poor data quality at this position in the gnomAD database. This variant has not been reported in the literature in individuals affected with MYBPC3-related conditions. ClinVar contains an entry for this variant (Variation ID: 629288). An algorithm developed to predict the effect of missense changes on protein structure and function outputs the following: PolyPhen-2: "Benign". The leucine amino acid residue is found in multiple mammalian species, which suggests that this missense change does not adversely affect protein function. In summary, the available evidence is currently insufficient to determine the role of this variant in disease. Therefore, it has been classified as a Variant of Uncertain Significance.

GeneDx
Classification: Uncertain significance. Last evaluated: 2025-06-04. Review status: criteria provided, single submitter. Criteria: GeneDx Variant Classification Process June 2021. Collection method: clinical testing. Allele origin: germline. Affected: yes.
Comment: Not observed at significant frequency in large population cohorts (gnomAD); In silico analysis suggests that this missense variant does not alter protein structure/function; Has not been previously published as pathogenic or benign to our knowledge

Color Diagnostics, LLC DBA Color Health
Classification: Uncertain significance for Cardiomyopathy. Last evaluated: 2023-12-05. Review status: criteria provided, single submitter. Criteria: ACMG Guidelines, 2015. Collection method: clinical testing. Allele origin: germline.
Comment: Variant of Uncertain Significance due to insufficient evidence: This missense variant is located in the MyBP-C motif of the myosin (S2) binding region of the MYBPC3 protein. Computational prediction tools and conservation analyses suggest that this variant may not impact the protein function. Computational splicing tools suggest that this variant may not impact the RNA splicing. To our knowledge, functional assays have not been performed for this variant nor has this variant been reported in individuals affected with cardiovascular disorders in the literature. This variant is rare in the general population and has been identified in 0/277264 chromosomes by the Genome Aggregation Database (gnomAD). Available evidence is insufficient to determine the pathogenicity of this variant conclusively.